The following is an entry in ClinVar:

ClinVar aggregate classification (germline): Conflicting classifications of pathogenicity. Review status: criteria provided, conflicting classifications (1 of 4 stars). 3 submissions from 3 submitters: Uncertain significance (2); Likely benign (1). Last evaluated 2026-06-08.

Conditions:
BBS4-related disorder. Also called: BBS4-related condition.
Bardet-Biedl syndrome (BBS). Identifiers: Orphanet 110, MedGen C0752166, MONDO:0015229.

Allele frequency attached by ClinVar (database versions not stated): gnomAD exomes below 0.00001; TOPMed 0.00001.
gnomAD v4.1: 1 of 1,614,120 alleles (0.000062%); highest among the groups gnomAD compares: Admixed American, 0.0017%; no homozygotes.

Submissions (3):

PreventionGenetics, part of Exact Sciences
Classification: Uncertain significance for BBS4-related condition. Last evaluated: 2026-06-08. Review status: criteria provided, single submitter. Criteria: ACMG Guidelines, 2015. Collection method: clinical testing. Allele origin: germline.
Comment: The BBS4 c.181G>A variant is predicted to result in the amino acid substitution p.Glu61Lys. To our knowledge, this variant has not been reported in the literature or in a large population database (gnomAD), indicating this variant is rare. At this time, the clinical significance of this variant is uncertain due to the absence of conclusive functional and genetic evidence.

Labcorp Genetics (formerly Invitae), Labcorp
Classification: Likely benign for Bardet-Biedl syndrome. Last evaluated: 2025-08-25. Review status: criteria provided, single submitter. Criteria: Invitae Variant Classification Sherloc (09022015). Collection method: clinical testing. Allele origin: germline.

Blueprint Genetics
Classification: Uncertain significance. Last evaluated: 2024-10-30. Review status: criteria provided, single submitter. Criteria: ACMG Guidelines, 2015. Collection method: clinical testing. Allele origin: germline.

NM_033028.5(BBS4):c.181G>A (p.Glu61Lys)

Gene: BBS4 (Bardet-Biedl syndrome 4; plus strand). Cytogenetic location: 15q24.1.
Variant type: single nucleotide variant.
Coding change: c.181G>A on transcript NM_033028.5 (MANE Select); coding-DNA position 181, G replaced by A.
Protein change: p.Glu61Lys; replaces glutamic acid 61 with lysine.
Molecular consequence: missense variant. On other transcripts: 5 prime UTR variant (1), non-coding transcript variant (2).
Genome position (GRCh38, 1-based): chr15:72,712,268, G>A. VCF-style: chr15-72712268-G-A. GRCh37 (hg19) VCF-style: chr15-73004609-G-A.
Other names: c.181G>A (NM_033028.4); c.-341G>A (NM_001252678.2); c.181G>A, p.Glu61Lys (NM_001320665.2); short protein forms E61K.
Identifiers: ClinVar variation 1153163 (VCV001153163.11), dbSNP rs1251827333, ClinGen allele CA393076066.